The following is an entry in ClinVar:

ClinVar aggregate classification (germline): Uncertain significance. Review status: criteria provided, multiple submitters, no conflicts (2 of 4 stars). 2 submissions from 2 submitters: Uncertain significance (2). Last evaluated 2024-11-13.

Conditions:
Inborn genetic diseases. Identifiers: MedGen C0950123, MeSH D030342.

Allele frequency attached by ClinVar (database versions not stated): gnomAD 0.00002 and 0.00003; gnomAD exomes 0.00004 and 0.00006; TOPMed 0.00005; ExAC 0.00009.
gnomAD v4.1: 69 of 1,613,640 alleles (0.0043%); highest among the groups gnomAD compares: South Asian, 0.048%; no homozygotes.

Submissions (2):

Ambry Genetics
Classification: Uncertain significance for Inborn genetic diseases. Last evaluated: 2024-11-13. Review status: criteria provided, single submitter. Criteria: Ambry Variant Classification Scheme 2023. Collection method: clinical testing. Allele origin: germline.

Labcorp Genetics (formerly Invitae), Labcorp
Classification: Uncertain significance. Last evaluated: 2024-10-08. Review status: criteria provided, single submitter. Criteria: Invitae Variant Classification Sherloc (09022015). Collection method: clinical testing. Allele origin: germline.
Comment: This sequence change replaces glutamic acid, which is acidic and polar, with lysine, which is basic and polar, at codon 1150 of the LTBP2 protein (p.Glu1150Lys). This variant is present in population databases (rs757961260, gnomAD 0.04%). This variant has not been reported in the literature in individuals affected with LTBP2-related conditions. ClinVar contains an entry for this variant (Variation ID: 1384404). An algorithm developed to predict the effect of missense changes on protein structure and function (PolyPhen-2) suggests that this variant¬†is likely to be tolerated. In summary, the available evidence is currently insufficient to determine the role of this variant in disease. Therefore, it has been classified as a Variant of Uncertain Significance.

NM_000428.3(LTBP2):c.3448G>A (p.Glu1150Lys)

Gene: LTBP2 (latent transforming growth factor beta binding protein 2; minus strand). Cytogenetic location: 14q24.3.
Variant type: single nucleotide variant.
Coding change: c.3448G>A on transcript NM_000428.3 (MANE Select); coding-DNA position 3448, G replaced by A.
Protein change: p.Glu1150Lys; replaces glutamic acid 1150 with lysine.
Molecular consequence: missense variant.
Genome position (GRCh38, 1-based): chr14:74,508,908, C>T on the plus strand (G>A on the coding strand, the complement: LTBP2 is on the minus strand). VCF-style: chr14-74508908-C-T. GRCh37 (hg19) VCF-style: chr14-74975611-C-T.
Other names: c.3448G>A (NM_000428.2); short protein forms E1150K.
Identifiers: ClinVar variation 1384404 (VCV001384404.3), dbSNP rs757961260, ClinGen allele CA7269160.